The following is an entry in ClinVar:

NM_001080414.4(CCDC88C):c.1220del (p.Arg407fs)

Gene: CCDC88C (coiled-coil and HOOK domain protein 88C; minus strand). Cytogenetic location: 14q32.11.
Variant type: Deletion.
Coding change: c.1220del on transcript NM_001080414.4 (MANE Select); coding-DNA position 1220, one base deleted (G; older notation c.1220delG).
Protein change: p.Arg407fs; shifts the reading frame from arginine 407.
Molecular consequence: frameshift variant. On other transcripts: non-coding transcript variant (2).
Genome position (GRCh38, 1-based): chr14:91,324,901, C deleted on the plus strand (G on the coding strand, the reverse complement: CCDC88C is on the minus strand). VCF-style (leftmost placement, unchanged base first): chr14-91324900-TC-T. GRCh37 (hg19) VCF-style: chr14-91791244-TC-T.
Other names: short protein forms R407fs.
Identifiers: ClinVar variation 5014393 (VCV005014393.1).
Genomic context (GRCh38, chr14:91,324,900, plus strand): 5'-GTTCATGCTCTGCTTCTGTGCAATCTCAAGGACCATGTTTTCTTCCAGCAGCTCCTCAAT[TC>T]GTTTCTTATCTGTGTCCCGGTCCTGGGGCAAGCAAGAAGAGGCAAGAAGTGAGGCTGCAC-3'

ClinVar aggregate classification (germline): Pathogenic (1 of 4 stars; one submission).

Conditions:
Hydrocephalus, nonsyndromic, autosomal recessive 1 (HYC1). Also called: Hydrocephalus, nonsyndromic, autosomal recessive; Congenital hydrocephalus 1. Identifiers: Orphanet 2185, MedGen C3887608, MONDO:0009360, OMIM 236600.

Submission:

Myriad Genetics, Inc.
Classification: Pathogenic for Hydrocephalus, nonsyndromic, autosomal recessive 1. Last evaluated: 2025-05-06. Review status: criteria provided, single submitter. Criteria: Myriad Autosomal Dominant, Autosomal Recessive and X-Linked Classification Criteria (2023). Collection method: clinical testing. Allele origin: unknown.
Comment: NM_001080414.3(CCDC88C):c.1220delG(R407Qfs*20) is expected to be pathogenic in the context of congenital hydrocephalus, CCDC88C-related. This variant is predicted to lead to an abnormal or absent protein product due to the creation of a premature termination codon in CCDC88C, a gene where loss-of-function variants are known to be pathogenic. Please note: this variant was assessed in the context of healthy population screening.